The following is an entry in ClinVar:

ClinVar aggregate classification (germline): Uncertain significance (1 of 4 stars; one submission).

Conditions:
Cardiovascular phenotype. Identifiers: MedGen CN230736.

gnomAD v4.1: 5 of 1,612,416 alleles (0.00031%); highest among the groups gnomAD compares: Non-Finnish European, 0.00042%; no homozygotes.

Submission:

Ambry Genetics
Classification: Uncertain significance for Cardiovascular phenotype. Last evaluated: 2026-03-05. Review status: criteria provided, single submitter. Criteria: Ambry Variant Classification Scheme 2023. Collection method: clinical testing. Allele origin: germline.
Comment: The p.C445R variant (also known as c.1333T>C), located in coding exon 9 of the LPL gene, results from a T to C substitution at nucleotide position 1333. The cysteine at codon 445 is replaced by arginine, an amino acid with highly dissimilar properties. This amino acid position is highly conserved in available vertebrate species. In addition, this alteration is predicted to be deleterious by in silico analysis. Based on the available evidence, the clinical significance of this variant remains unclear.

NM_000237.3(LPL):c.1333T>C (p.Cys445Arg)

Gene: LPL (lipoprotein lipase; plus strand). Cytogenetic location: 8p21.3.
Variant type: single nucleotide variant.
Coding change: c.1333T>C on transcript NM_000237.3 (MANE Select); coding-DNA position 1333, T replaced by C.
Protein change: p.Cys445Arg; replaces cysteine 445 with arginine.
Molecular consequence: missense variant.
Genome position (GRCh38, 1-based): chr8:19,962,125, T>C. VCF-style: chr8-19962125-T-C. GRCh37 (hg19) VCF-style: chr8-19819636-T-C.
Other names: short protein forms C445R.
Identifiers: ClinVar variation 4844027 (VCV004844027.1).